The following is an entry in ClinVar:

ClinVar aggregate classification (germline): Uncertain significance (1 of 4 stars; one submission).

Conditions:
Dilated cardiomyopathy 1DD (CMD1DD). Identifiers: Orphanet 154, MedGen C2750995, MONDO:0013168, OMIM 613172.

Submission:

Labcorp Genetics (formerly Invitae), Labcorp
Classification: Uncertain significance for Dilated cardiomyopathy 1DD. Last evaluated: 2024-10-06. Review status: criteria provided, single submitter. Criteria: Invitae Variant Classification Sherloc (09022015). Collection method: clinical testing. Allele origin: germline.
Comment: This sequence change falls in intron 10 of the RBM20 gene. It does not directly change the encoded amino acid sequence of the RBM20 protein. It affects a nucleotide within the consensus splice site. This variant is not present in population databases (gnomAD no frequency). This variant has not been reported in the literature in individuals affected with RBM20-related conditions. Variants that disrupt the consensus splice site are a relatively common cause of aberrant splicing (PMID: 17576681, 9536098). Algorithms developed to predict the effect of sequence changes on RNA splicing suggest that this variant is not likely to affect RNA splicing. In summary, the available evidence is currently insufficient to determine the role of this variant in disease. Therefore, it has been classified as a Variant of Uncertain Significance.

Literature cited by the submitters: PubMed 17576681; PubMed 9536098.

NM_001134363.3(RBM20):c.2655+6_2655+18del

Gene: RBM20 (RNA binding motif protein 20; plus strand). Cytogenetic location: 10q25.2.
Variant type: Deletion.
Coding change: c.2655+6_2655+18del on transcript NM_001134363.3 (MANE Select); bases 6 to 18 of the intron after coding-DNA position 2655, 13 bases deleted (GTTTGTTTCAGAT).
Molecular consequence: intron variant.
Genome position (GRCh38, 1-based): chr10:110,820,182-110,820,194, GTTTGTTTCAGAT deleted. VCF-style (leftmost placement, unchanged base first): chr10-110820181-AGTTTGTTTCAGAT-A. GRCh37 (hg19) VCF-style: chr10-112579939-AGTTTGTTTCAGAT-A.
Identifiers: ClinVar variation 3722323 (VCV003722323.2).